The following is an entry in ClinVar:

ClinVar aggregate classification (germline): Conflicting classifications of pathogenicity. Review status: criteria provided, conflicting classifications (1 of 4 stars). 7 submissions from 7 submitters: Likely pathogenic (6); Uncertain significance (1). Last evaluated 2026-05-21.

Conditions:
PCCB-related disorder. Also called: PCCB-related condition.
Propionic acidemia (PROP). Also called: GLYCINEMIA, KETOTIC; HYPERGLYCINEMIA WITH KETOACIDOSIS AND LEUKOPENIA; KETOTIC HYPERGLYCINEMIA. Identifiers: Orphanet 35, MedGen C0268579, MONDO:0011628, OMIM 606054, HP:0003571.

Allele frequency attached by ClinVar (database versions not stated): gnomAD exomes below 0.00001; TOPMed 0.00001.
gnomAD v4.1: 1 of 1,610,168 alleles (0.000062%); highest among the groups gnomAD compares: Admixed American, 0.0017%; no homozygotes.

Submissions (7):

GeneDx
Classification: Likely pathogenic. Last evaluated: 2026-05-21. Review status: criteria provided, single submitter. Criteria: GeneDx Variant Classification Process June 2021. Collection method: clinical testing. Allele origin: germline.
Comment: Not observed at significant frequency in large population cohorts (gnomAD); In silico analysis supports a deleterious effect on splicing; This variant is associated with the following publications: (PMID: 9683601, 33473339)

Women's Health and Genetics/Laboratory Corporation of America, LabCorp
Classification: Likely pathogenic for Propionic acidemia. Last evaluated: 2025-08-18. Review status: criteria provided, single submitter. Criteria: LabCorp Variant Classification Summary - May 2015. Collection method: clinical testing. Allele origin: germline.
Comment: Variant summary: PCCB c.183+3G>C alters a conserved nucleotide located close to a canonical splice site and therefore could affect mRNA splicing, leading to a significantly altered protein sequence. Several computational tools predict a significant impact on normal splicing: Four predict the variant abolishes the canonical 5' splicing donor site. However, these predictions have yet to be confirmed by functional studies. The variant allele was found at a frequency of 4.3e-06 in 235206 control chromosomes. c.183+3G>C has been reported in the literature as a compound heterozygous genotype in at-least two individuals affected with Propionic Acidemia, one of whom continues to be cited by others (example, Rodriguez-Pombo_1998, cited in Perez-Cerda_2000, Stanescu_2021, Levesque_2011). These data indicate that the variant may be associated with disease. To our knowledge, no experimental evidence demonstrating an impact on protein function has been reported. The following publications have been ascertained in the context of this evaluation (PMID: 12007220, 23430860, 12757933, 10780784, 9683601, 34006296). ClinVar contains an entry for this variant (Variation ID: 93227). Based on the evidence outlined above, the variant was classified as likely pathogenic.

CeGaT Center for Human Genetics Tuebingen
Classification: Likely pathogenic. Last evaluated: 2025-07-01. Review status: criteria provided, single submitter. Criteria: CeGaT Center For Human Genetics Tuebingen Variant Classification Criteria Version 2. Collection method: clinical testing. Allele origin: germline. Affected: yes. Observed: 1 variant allele.
Comment: PCCB: PM3:Strong, PM2, PP3

Labcorp Genetics (formerly Invitae), Labcorp
Classification: Likely pathogenic for Propionic acidemia. Last evaluated: 2025-06-18. Review status: criteria provided, single submitter. Criteria: Invitae Variant Classification Sherloc (09022015). Collection method: clinical testing. Allele origin: germline.
Comment: This sequence change falls in intron 1 of the PCCB gene. It does not directly change the encoded amino acid sequence of the PCCB protein. It affects a nucleotide within the consensus splice site. This variant is present in population databases (rs398123461, gnomAD 0.003%). This variant has been observed in individual(s) with propionic aciduria (PMID: 9683601, 23430860, 33473339). This variant is also known as IVS1+3G>C. ClinVar contains an entry for this variant (Variation ID: 93227). Variants that disrupt the consensus splice site are a relatively common cause of aberrant splicing (PMID: 17576681, 9536098). Algorithms developed to predict the effect of sequence changes on RNA splicing suggest that this variant may disrupt the consensus splice site. In summary, the currently available evidence indicates that the variant is pathogenic, but additional data are needed to prove that conclusively. Therefore, this variant has been classified as Likely Pathogenic.

Natera, Inc.
Classification: Likely pathogenic for Propionic acidemia. Last evaluated: 2024-11-10. Review status: criteria provided, single submitter. Criteria: Natera Variant Classification Schema (03/2026). Collection method: clinical testing. Allele origin: germline.
Comment: The c.183+3G>C variant in PCCB is an intronic variant located outside the canonical splice sites. This variant is rare in the general population with a frequency below the threshold expected for the associated phenotype(s). This variant has been observed in one or more individuals affected with the associated recessive disease, as either homozygous or compound heterozygous with a second variant (PMID: 23430860, 9683601). This variant has been identified in one or more affected individuals with a phenotype highly consistent with the associated gene (PMID: 23430860). Functional studies show that this variant may disrupt protein function (PMID: 9683601). Computational prediction algorithms indicate this variant is likely to affect gene or protein function. Given the available evidence, this variant is classified as Likely Pathogenic.

PreventionGenetics, part of Exact Sciences
Classification: Likely pathogenic for PCCB-related condition. Last evaluated: 2023-03-30. Review status: criteria provided, single submitter. Criteria: ACMG Guidelines, 2015. Collection method: clinical testing. Allele origin: germline.
Comment: The PCCB c.183+3G>C variant is predicted to interfere with splicing. This variant was reported along with a second PCCB variant in at least two individuals with propionic acidemia (Rodriguez-Pombo et al 1998. PubMed ID: 9683601; Lévesque et al. 2011. PubMed ID: 23430860). This variant is reported in 0.0029% of alleles in individuals of Latino descent in gnomAD. Taken together, this variant is interpreted as likely pathogenic.

Eurofins Ntd Llc (ga)
Classification: Uncertain significance. Last evaluated: 2013-11-14. Review status: criteria provided, single submitter. Criteria: EGL Classification Definitions 2015. Collection method: clinical testing. Allele origin: germline. Observed: 3 variant alleles, 2 heterozygotes, 1 homozygote.

Literature cited by the submitters: PubMed 9683601 (cited by 3 submitters); PubMed 10780784 (cited by Women's Health and Genetics/Laboratory Corporation of America, LabCorp); PubMed 12757933 (cited by Women's Health and Genetics/Laboratory Corporation of America, LabCorp); PubMed 23430860 (cited by 3 submitters); PubMed 12007220 (cited by Women's Health and Genetics/Laboratory Corporation of America, LabCorp); PubMed 34006296 (cited by Women's Health and Genetics/Laboratory Corporation of America, LabCorp); PubMed 33473339 (cited by Labcorp Genetics (formerly Invitae), Labcorp); PubMed 17576681 (cited by Labcorp Genetics (formerly Invitae), Labcorp); PubMed 9536098 (cited by Labcorp Genetics (formerly Invitae), Labcorp).

NM_000532.5(PCCB):c.183+3G>C

Gene: PCCB (propionyl-CoA carboxylase subunit beta; plus strand). Cytogenetic location: 3q22.3.
Variant type: single nucleotide variant.
Coding change: c.183+3G>C on transcript NM_000532.5 (MANE Select); 3 bases into the intron after coding-DNA position 183, G replaced by C.
Molecular consequence: intron variant.
Genome position (GRCh38, 1-based): chr3:136,250,561, G>C. VCF-style: chr3-136250561-G-C. GRCh37 (hg19) VCF-style: chr3-135969403-G-C.
Other names: c.183+3G>C (NM_001178014.2).
Identifiers: ClinVar variation 93227 (VCV000093227.24), dbSNP rs398123461, ClinGen allele CA221099.